The following is an entry in ClinVar:

NM_000143.4(FH):c.49G>C (p.Ala17Pro)

Gene: FH (fumarate hydratase; minus strand). Cytogenetic location: 1q43.
Variant type: single nucleotide variant.
Coding change: c.49G>C on transcript NM_000143.4 (MANE Select); coding-DNA position 49, G replaced by C.
Protein change: p.Ala17Pro; replaces alanine 17 with proline.
Molecular consequence: missense variant.
Genome position (GRCh38, 1-based): chr1:241,519,674, C>G on the plus strand (G>C on the coding strand, the complement: FH is on the minus strand). VCF-style: chr1-241519674-C-G. GRCh37 (hg19) VCF-style: chr1-241682974-C-G.
Other names: short protein forms A17P.
Identifiers: ClinVar variation 485571 (VCV000485571.17), dbSNP rs755886213, ClinGen allele CA1478780.

ClinVar aggregate classification (germline): Conflicting classifications of pathogenicity. Review status: criteria provided, conflicting classifications (1 of 4 stars). 3 submissions from 3 submitters: Uncertain significance (2); Likely benign (1). Last evaluated 2025-09-15.

Conditions:
Hereditary cancer-predisposing syndrome. Also called: Hereditary neoplastic syndrome; Neoplastic Syndromes, Hereditary; Tumor predisposition; Hereditary Cancer Syndrome. Identifiers: Orphanet 140162, MedGen C0027672, MeSH D009386, MONDO:0015356.

Allele frequency attached by ClinVar (database versions not stated): gnomAD exomes 0.00001; ExAC 0.00014.

Submissions (3):

GeneDx
Classification: Uncertain significance. Last evaluated: 2025-09-15. Review status: criteria provided, single submitter. Criteria: GeneDx Variant Classification Process June 2021. Collection method: clinical testing. Allele origin: germline.
Comment: Not observed at significant frequency in large population cohorts (gnomAD); In silico analysis suggests that this missense variant does not alter protein structure/function; Has not been previously published as pathogenic or benign to our knowledge

Labcorp Genetics (formerly Invitae), Labcorp
Classification: Uncertain significance. Last evaluated: 2025-09-10. Review status: criteria provided, single submitter. Criteria: Invitae Variant Classification Sherloc (09022015). Collection method: clinical testing. Allele origin: germline.
Comment: This sequence change replaces alanine, which is neutral and non-polar, with proline, which is neutral and non-polar, at codon 17 of the FH protein (p.Ala17Pro). The frequency data for this variant in the population databases is considered unreliable, as metrics indicate poor data quality at this position in the gnomAD database. This variant has not been reported in the literature in individuals affected with FH-related conditions. ClinVar contains an entry for this variant (Variation ID: 485571). Invitae Evidence Modeling of protein sequence and biophysical properties (such as structural, functional, and spatial information, amino acid conservation, physicochemical variation, residue mobility, and thermodynamic stability) indicates that this missense variant is not expected to disrupt FH protein function with a negative predictive value of 95%. In summary, the available evidence is currently insufficient to determine the role of this variant in disease. Therefore, it has been classified as a Variant of Uncertain Significance.

Ambry Genetics
Classification: Likely benign for Hereditary cancer-predisposing syndrome. Last evaluated: 2016-10-17. Review status: criteria provided, single submitter. Criteria: Ambry Variant Classification Scheme 2023. Collection method: clinical testing. Allele origin: germline.